The following is an entry in ClinVar:

NM_000246.4(CIITA):c.1558G>T (p.Ala520Ser)

Gene: CIITA (class II major histocompatibility complex transactivator; plus strand). Cytogenetic location: 16p13.13.
Variant type: single nucleotide variant.
Coding change: c.1558G>T on transcript NM_000246.4 (MANE Select); coding-DNA position 1558, G replaced by T.
Protein change: p.Ala520Ser; replaces alanine 520 with serine.
Molecular consequence: missense variant. On other transcripts: intron variant (1).
Genome position (GRCh38, 1-based): chr16:10,907,050, G>T. VCF-style: chr16-10907050-G-T. GRCh37 (hg19) VCF-style: chr16-11000907-G-T.
Other names: c.1561G>T, p.Ala521Ser (NM_001286402.1, NM_001379332.1); c.1414G>T, p.Ala472Ser (NM_001379330.1); c.1411G>T, p.Ala471Ser (NM_001379331.1); c.1558G>T, p.Ala520Ser (NM_001379333.1); c.1489G>T, p.Ala497Ser (NM_001379334.1); c.860-1933G>T (NM_001286403.2); short protein forms A520S, A521S, A471S, A472S, A497S.
Identifiers: ClinVar variation 841848 (VCV000841848.7), dbSNP rs747042657, ClinGen allele CA394731062.
Genomic context (GRCh38, chr16:10,907,050, plus strand): 5'-GGCTTCGAGGAGCTGGAAGCGCAAGATGGCTTCCTGCACAGCACGTGCGGACCGGCACCG[G>T]CGGAGCCCTGCTCCCTCCGGGGGCTGCTGGCCGGCCTTTTCCAGAAGAAGCTGCTCCGAG-3'
Protein context (NP_000237.2, residues 510-530): FLHSTCGPAP[Ala520Ser]EPCSLRGLLA

ClinVar aggregate classification (germline): Uncertain significance (1 of 4 stars; one submission).

Conditions:
MHC class II deficiency. Also called: BLS, TYPE II; Bare lymphocyte syndrome 2. Identifiers: Orphanet 572, MedGen C5447452, MONDO:0008855.

gnomAD v4.1: 1 of 1,607,282 alleles (0.000062%); highest among the groups gnomAD compares: Non-Finnish European, 0.000085%; no homozygotes.

Submission:

Labcorp Genetics (formerly Invitae), Labcorp
Classification: Uncertain significance for MHC class II deficiency. Last evaluated: 2021-09-02. Review status: criteria provided, single submitter. Criteria: Invitae Variant Classification Sherloc (09022015). Collection method: clinical testing. Allele origin: germline.
Comment: This sequence change replaces alanine with serine at codon 520 of the CIITA protein (p.Ala520Ser). The alanine residue is weakly conserved and there is a moderate physicochemical difference between alanine and serine. This variant is not present in population databases (ExAC no frequency). This variant has not been reported in the literature in individuals affected with CIITA-related conditions. Algorithms developed to predict the effect of missense changes on protein structure and function output the following: SIFT: "Tolerated"; PolyPhen-2: "Benign"; Align-GVGD: "Class C0". The serine amino acid residue is found in multiple mammalian species, which suggests that this missense change does not adversely affect protein function. In summary, the available evidence is currently insufficient to determine the role of this variant in disease. Therefore, it has been classified as a Variant of Uncertain Significance.